The following is an entry in ClinVar:

NM_001291303.3(FAT4):c.6721G>T (p.Asp2241Tyr)

Gene: FAT4 (FAT atypical cadherin 4; plus strand). Cytogenetic location: 4q28.1.
Variant type: single nucleotide variant.
Coding change: c.6721G>T on transcript NM_001291303.3 (MANE Select); coding-DNA position 6721, G replaced by T.
Protein change: p.Asp2241Tyr; replaces aspartic acid 2241 with tyrosine.
Molecular consequence: missense variant.
Genome position (GRCh38, 1-based): chr4:125,415,684, G>T. VCF-style: chr4-125415684-G-T. GRCh37 (hg19) VCF-style: chr4-126336839-G-T.
Other names: c.6721G>T, p.Asp2241Tyr (NM_001291285.3, NM_024582.6); short protein forms D2241Y.
Identifiers: ClinVar variation 1922203 (VCV001922203.5), dbSNP rs897970448, ClinGen allele CA104854408.

ClinVar aggregate classification (germline): Uncertain significance (1 of 4 stars; one submission).

Allele frequency attached by ClinVar (database versions not stated): gnomAD 0.00001; TOPMed 0.00001.
gnomAD v4.1: 1 of 1,613,870 alleles (0.000062%); highest among the groups gnomAD compares: African/African-American, 0.0013%; no homozygotes.

Submission:

Labcorp Genetics (formerly Invitae), Labcorp
Classification: Uncertain significance. Last evaluated: 2022-08-04. Review status: criteria provided, single submitter. Criteria: Invitae Variant Classification Sherloc (09022015). Collection method: clinical testing. Allele origin: germline.
Comment: This variant has not been reported in the literature in individuals affected with FAT4-related conditions. This variant is not present in population databases (gnomAD no frequency). This sequence change replaces aspartic acid, which is acidic and polar, with tyrosine, which is neutral and polar, at codon 2241 of the FAT4 protein (p.Asp2241Tyr). Advanced modeling of protein sequence and biophysical properties (such as structural, functional, and spatial information, amino acid conservation, physicochemical variation, residue mobility, and thermodynamic stability) performed at Invitae indicates that this missense variant is not expected to disrupt FAT4 protein function. In summary, the available evidence is currently insufficient to determine the role of this variant in disease. Therefore, it has been classified as a Variant of Uncertain Significance.